The following is an entry in ClinVar:

NM_002485.5(NBN):c.2030_2037dup (p.Gly680fs)

Gene: NBN (nibrin; minus strand). Cytogenetic location: 8q21.3.
Variant type: Duplication.
Coding change: c.2030_2037dup on transcript NM_002485.5 (MANE Select); coding-DNA positions 2030 to 2037, 8 bases duplicated (ATGATTAT; older notation c.2030_2037dupATGATTAT).
Protein change: p.Gly680fs; shifts the reading frame from glycine 680.
Molecular consequence: frameshift variant.
Genome position (GRCh38, 1-based): chr8:89,946,173-89,946,180, ATAATCAT duplicated on the plus strand (ATGATTAT on the coding strand, the reverse complement: NBN is on the minus strand). VCF-style (leftmost placement, unchanged base first): chr8-89946172-C-CATAATCAT. GRCh37 (hg19) VCF-style: chr8-90958400-C-CATAATCAT.
Other names: c.1784_1791dup, p.Gly598fs (NM_001024688.3); short protein forms G598fs, G680fs.
Identifiers: ClinVar variation 950275 (VCV000950275.9), dbSNP rs1036111786, ClinGen allele CA181274771.

ClinVar aggregate classification (germline): Pathogenic/Likely pathogenic. Review status: criteria provided, multiple submitters, no conflicts (2 of 4 stars). 3 submissions from 3 submitters: Pathogenic (2); Likely pathogenic (1). Last evaluated 2025-03-02.

Conditions:
Microcephaly, normal intelligence and immunodeficiency (NBS). Also called: SEEMANOVA SYNDROME II; Ataxia telangiectasia variant V1; BERLIN BREAKAGE SYNDROME; Immunodeficiency, microcephaly with normal intelligence; IMMUNODEFICIENCY, MICROCEPHALY, AND CHROMOSOMAL INSTABILITY; Nijmegen breakage syndrome. Identifiers: Orphanet 647, MedGen C0398791, MONDO:0009623, OMIM 251260.
Aplastic anemia. Identifiers: Orphanet 182040, Orphanet 88, MedGen C0002874, MONDO:0015909, OMIM 609135, HP:0001915.

Allele frequency attached by ClinVar (database versions not stated): gnomAD exomes below 0.00001; TOPMed below 0.00001.

Submissions (3):

Myriad Genetics, Inc.
Classification: Pathogenic for Microcephaly, normal intelligence and immunodeficiency. Last evaluated: 2025-03-02. Review status: criteria provided, single submitter. Criteria: Myriad Autosomal Dominant, Autosomal Recessive and X-Linked Classification Criteria (2023). Collection method: clinical testing. Allele origin: unknown.
Comment: NM_002485.4(NBN):c.2030_2037dup8(G680Mfs*6) is expected to be pathogenic in the context of Nijmegen breakage syndrome. This variant is predicted to lead to an abnormal or absent protein product due to the creation of a premature termination codon in NBN, a gene where loss-of-function variants are known to be pathogenic. Please note: this variant was assessed in the context of healthy population screening.

Labcorp Genetics (formerly Invitae), Labcorp
Classification: Pathogenic for Microcephaly, normal intelligence and immunodeficiency. Last evaluated: 2024-04-15. Review status: criteria provided, single submitter. Criteria: Invitae Variant Classification Sherloc (09022015). Collection method: clinical testing. Allele origin: germline.
Comment: This sequence change creates a premature translational stop signal (p.Gly680Metfs*6) in the NBN gene. It is expected to result in an absent or disrupted protein product. Loss-of-function variants in NBN are known to be pathogenic (PMID: 9590180, 16415040). This variant is present in population databases (no rsID available, gnomAD 0.0009%). This variant has not been reported in the literature in individuals affected with NBN-related conditions. ClinVar contains an entry for this variant (Variation ID: 950275). Algorithms developed to predict the effect of sequence changes on RNA splicing suggest that this variant may disrupt the consensus splice site. For these reasons, this variant has been classified as Pathogenic.

Baylor Genetics
Classification: Likely pathogenic for Aplastic anemia. Last evaluated: 2022-01-14. Review status: criteria provided, single submitter. Criteria: ACMG Guidelines, 2015. Collection method: clinical testing. Allele origin: unknown.

Literature cited by the submitters: PubMed 9590180 (cited by Labcorp Genetics (formerly Invitae), Labcorp); PubMed 16415040 (cited by Labcorp Genetics (formerly Invitae), Labcorp).